The following is an entry in ClinVar:

NM_021871.4(FGA):c.651T>C (p.Asp217=)

Gene: FGA (fibrinogen alpha chain; minus strand). Cytogenetic location: 4q31.3.
Variant type: single nucleotide variant.
Coding change: c.651T>C on transcript NM_021871.4 (MANE Select); coding-DNA position 651, T replaced by C.
Protein change: p.Asp217=; no amino-acid change (aspartic acid 217 retained).
Molecular consequence: synonymous variant.
Genome position (GRCh38, 1-based): chr4:154,586,778, A>G on the plus strand (T>C on the coding strand, the complement: FGA is on the minus strand). VCF-style: chr4-154586778-A-G. GRCh37 (hg19) VCF-style: chr4-155507930-A-G.
Other names: c.651T>C, p.Asp217= (NM_000508.5); c.651T>C (NM_000508.4).
Identifiers: ClinVar variation 4968864 (VCV004968864.2).

ClinVar aggregate classification (germline): Likely benign. Review status: criteria provided, multiple submitters, no conflicts (2 of 4 stars). 2 submissions from 2 submitters: Likely benign (2). Last evaluated 2026-06-23.

Conditions:
FGA-related disorder. Also called: FGA-related disorders; FGA-related condition.

gnomAD v4.1: 57 of 1,614,040 alleles (0.0035%); highest among the groups gnomAD compares: Admixed American, 0.04%; no homozygotes.

Submissions (2):

PreventionGenetics, part of Exact Sciences
Classification: Likely benign for FGA-related condition. Last evaluated: 2026-06-23. Review status: criteria provided, single submitter. Criteria: ACMG Guidelines, 2015. Collection method: clinical testing. Allele origin: germline.
Comment: This variant is classified as likely benign based on ACMG/AMP sequence variant interpretation guidelines (Richards et al. 2015 PMID: 25741868, with internal and published modifications).

Blueprint Genetics
Classification: Likely benign. Last evaluated: 2022-12-14. Review status: criteria provided, single submitter. Criteria: ACMG Guidelines, 2015. Collection method: clinical testing. Allele origin: germline.